The following is an entry in ClinVar:

ClinVar aggregate classification (germline): Conflicting classifications of pathogenicity. Review status: criteria provided, conflicting classifications (1 of 4 stars). 8 submissions from 8 submitters: Uncertain significance (2); Likely benign (5). 1 of the submissions does not count toward it. Last evaluated 2026-01-28.

Conditions:
DBT-related disorder. Also called: DBT-related condition.
Maple syrup urine disease (MSUD). Identifiers: Orphanet 511, MedGen C0024776, MeSH D008375, MONDO:0009563. Disease mechanism: loss of function.

Allele frequency attached by ClinVar (database versions not stated): 1000 Genomes Project 0.00020; 1000 Genomes Project 30x 0.00031; TOPMed 0.00170; gnomAD 0.00185 and 0.00196; gnomAD exomes 0.00198 and 0.00301; ESP Exome Variant Server 0.00215; ExAC 0.00234.
gnomAD v4.1: 4,596 of 1,613,680 alleles (0.28%); highest among the groups gnomAD compares: Non-Finnish European, 0.37%; 9 homozygotes.

Submissions (8):

Labcorp Genetics (formerly Invitae), Labcorp
Classification: Likely benign for Maple syrup urine disease. Last evaluated: 2026-01-28. Review status: criteria provided, single submitter. Criteria: Invitae Variant Classification Sherloc (09022015). Collection method: clinical testing. Allele origin: germline.

Blueprint Genetics
Classification: Uncertain significance. Last evaluated: 2024-11-21. Review status: criteria provided, single submitter. Criteria: ACMG Guidelines, 2015. Collection method: clinical testing. Allele origin: germline.

CeGaT Center for Human Genetics Tuebingen
Classification: Likely benign. Last evaluated: 2022-10-01. Review status: criteria provided, single submitter. Criteria: CeGaT Center For Human Genetics Tuebingen Variant Classification Criteria Version 2. Collection method: clinical testing. Allele origin: germline. Affected: yes. Observed: 3 variant alleles.
Comment: DBT: BS2

Genome-Nilou Lab
Classification: Likely benign for Maple syrup urine disease type 1A. Last evaluated: 2021-11-07. Review status: criteria provided, single submitter. Criteria: ACMG Guidelines, 2015. Collection method: clinical testing. Allele origin: germline. Affected: no.

GeneDx
Classification: Likely benign. Last evaluated: 2018-09-28. Review status: criteria provided, single submitter. Criteria: GeneDx Variant Classification Process June 2021. Collection method: clinical testing. Allele origin: germline. Affected: yes.

Illumina Laboratory Services, Illumina
Classification: Likely benign for Maple syrup urine disease type 1A. Last evaluated: 2018-01-13. Review status: criteria provided, single submitter. Criteria: ICSL Variant Classification Criteria 13 December 2019. Collection method: clinical testing. Allele origin: germline.
Comment: This variant was observed in the ICSL laboratory as part of a predisposition screen in an ostensibly healthy population. It had not been previously curated by ICSL or reported in the Human Gene Mutation Database (HGMD: prior to June 1st, 2018), and was therefore a candidate for classification through an automated scoring system. Utilizing variant allele frequency, disease prevalence and penetrance estimates, and inheritance mode, an automated score was calculated to assess if this variant is too frequent to cause the disease. Based on the score and internal cut-off values, a variant classified as likely benign is not then subjected to further curation. The score for this variant resulted in a classification of likely benign for this disease.

Eurofins Ntd Llc (ga)
Classification: Uncertain significance. Last evaluated: 2013-09-04. Review status: criteria provided, single submitter. Criteria: EGL Classification Definitions 2015. Collection method: clinical testing. Allele origin: germline. Observed: 1 variant allele, 1 heterozygote.

PreventionGenetics, part of Exact Sciences
Classification: Likely benign for DBT-related condition. Last evaluated: 2022-12-06. Review status: no assertion criteria provided. Collection method: clinical testing. Allele origin: germline. Not counted in ClinVar's aggregate classification.
Comment: This variant is classified as likely benign based on ACMG/AMP sequence variant interpretation guidelines (Richards et al. 2015 PMID: 25741868, with internal and published modifications).

NM_001918.5(DBT):c.1418A>G (p.Asn473Ser)

Gene: DBT (dihydrolipoamide branched chain transacylase E2; minus strand). Cytogenetic location: 1p21.2.
Variant type: single nucleotide variant.
Coding change: c.1418A>G on transcript NM_001918.5 (MANE Select); coding-DNA position 1418, A replaced by G.
Protein change: p.Asn473Ser; replaces asparagine 473 with serine.
Molecular consequence: missense variant.
Genome position (GRCh38, 1-based): chr1:100,196,286, T>C on the plus strand (A>G on the coding strand, the complement: DBT is on the minus strand). VCF-style: chr1-100196286-T-C. GRCh37 (hg19) VCF-style: chr1-100661842-T-C.
Other names: short protein forms N473S.
Identifiers: ClinVar variation 93993 (VCV000093993.51), dbSNP rs75525811, ClinGen allele CA221878.
Genomic context (GRCh38, chr1:100,196,286, plus strand): 5'-CAAAAAGTTCAAGAATGTCTTATCAGTCTTCATTTCAGATCTAGTAGCATAAAAGCTGGG[T>C]TTTCTAAATAGGATTTCCACAAATTGGAGAAGCGTGACATTGTAGCACCATCAATAACTC-3'
Protein context (NP_001909.4, residues 463-482): FSNLWKSYLE[Asn473Ser]PAFMLLDLK